The following is an entry in ClinVar:

NM_033123.4(PLCZ1):c.1119T>C (p.Phe373=)

Genes: PIK3C2G (phosphatidylinositol-4-phosphate 3-kinase catalytic subunit type 2 gamma; plus strand), PLCZ1 (phospholipase C zeta 1; minus strand). Cytogenetic location: 12p12.3.
Variant type: single nucleotide variant.
Coding change: c.1119T>C on transcript NM_033123.4 (MANE Select); coding-DNA position 1119, T replaced by C.
Protein change: p.Phe373=; no amino-acid change (phenylalanine 373 retained).
Molecular consequence: synonymous variant.
Genome position (GRCh38, 1-based): chr12:18,699,849, A>G on the plus strand (T>C on the coding strand, the complement: PLCZ1 is on the minus strand). VCF-style: chr12-18699849-A-G. GRCh37 (hg19) VCF-style: chr12-18852783-A-G.
Other names: c.540T>C, p.Phe180= (NM_001330769.1); c.807T>C, p.Phe269= (NM_001330774.2).
Identifiers: ClinVar variation 2642768 (VCV002642768.25), dbSNP rs141771255, ClinGen allele CA6471262.

ClinVar aggregate classification (germline): Likely benign. Review status: criteria provided, multiple submitters, no conflicts (2 of 4 stars). 2 submissions from 2 submitters: Likely benign (2). Last evaluated 2024-10-03.

Allele frequency attached by ClinVar (database versions not stated): 1000 Genomes Project 30x 0.00016; 1000 Genomes Project 0.00020; gnomAD 0.00044; ExAC 0.00052; TOPMed 0.00053; ESP Exome Variant Server 0.00069; gnomAD exomes 0.00109.
gnomAD v4.1: 1,643 of 1,613,448 alleles (0.1%); highest among the groups gnomAD compares: Non-Finnish European, 0.13%; 1 homozygote.

Submissions (2):

Blueprint Genetics
Classification: Likely benign. Last evaluated: 2024-10-03. Review status: criteria provided, single submitter. Criteria: ACMG Guidelines, 2015. Collection method: clinical testing. Allele origin: germline.

CeGaT Center for Human Genetics Tuebingen
Classification: Likely benign. Last evaluated: 2022-11-01. Review status: criteria provided, single submitter. Criteria: CeGaT Center For Human Genetics Tuebingen Variant Classification Criteria Version 2. Collection method: clinical testing. Allele origin: germline. Affected: yes. Observed: 1 variant allele.
Comment: PLCZ1: BP4, BP7